The following is an entry in ClinVar:

NM_016341.4(PLCE1):c.1223G>T (p.Arg408Ile)

Gene: PLCE1 (phospholipase C epsilon 1; plus strand). Cytogenetic location: 10q23.33.
Variant type: single nucleotide variant.
Coding change: c.1223G>T on transcript NM_016341.4 (MANE Select); coding-DNA position 1223, G replaced by T.
Protein change: p.Arg408Ile; replaces arginine 408 with isoleucine.
Molecular consequence: missense variant.
Genome position (GRCh38, 1-based): chr10:94,132,190, G>T. VCF-style: chr10-94132190-G-T. GRCh37 (hg19) VCF-style: chr10-95891947-G-T.
Other names: c.299G>T, p.Arg100Ile (NM_001165979.2); c.1223G>T, p.Arg408Ile (NM_001288989.2); short protein forms R408I, R100I.
Identifiers: ClinVar variation 635446 (VCV000635446.7), dbSNP rs752029771, ClinGen allele CA5612321.
Genomic context (GRCh38, chr10:94,132,190, plus strand): 5'-TAAGAAACTAGATTAATACTTCCTGTACTTTGTGCTATTCACAGATCTACAATGCAGTGA[G>T]AAGAGAAGAAACAGAAAATACAGTTGGATCTCTACTCCATTTCCTCACCAAGCTCCCAGC-3'
Protein context (NP_057425.3, residues 398-418): AQWYPIYNAV[Arg408Ile]REETENTVGS

ClinVar aggregate classification (germline): Uncertain significance. Review status: criteria provided, multiple submitters, no conflicts (2 of 4 stars). 4 submissions from 4 submitters: Uncertain significance (3). 1 of the submissions does not count toward it. Last evaluated 2024-11-25.

Conditions:
PLCE1-related disorder. Also called: PLCE1-related condition.
Nephrotic syndrome, type 3 (NPHS3). Also called: NEPHROTIC SYNDROME, EARLY-ONSET, TYPE 3. Identifiers: Orphanet 656, MedGen C1853124, MONDO:0012546, OMIM 610725.

Allele frequency attached by ClinVar (database versions not stated): TOPMed 0.00005; ExAC 0.00002; gnomAD 0.00002 and 0.00003; gnomAD exomes 0.00002 and 0.00004.
gnomAD v4.1: 64 of 1,613,944 alleles (0.004%); highest among the groups gnomAD compares: Non-Finnish European, 0.005%; no homozygotes.

Submissions (4):

Blueprint Genetics
Classification: Uncertain significance. Last evaluated: 2024-11-25. Review status: criteria provided, single submitter. Criteria: ACMG Guidelines, 2015. Collection method: clinical testing. Allele origin: germline.

PreventionGenetics, part of Exact Sciences
Classification: Uncertain significance for PLCE1-related condition. Last evaluated: 2024-10-31. Review status: criteria provided, single submitter. Criteria: ACMG Guidelines, 2015. Collection method: clinical testing. Allele origin: germline.
Comment: The PLCE1 c.1223G>T variant is predicted to result in the amino acid substitution p.Arg408Ile. This variant was reported in an individual with nephrotic syndrome, but the second plausibly pathogenic variant wasn't detected (Supplementary Table 1, Machuca et al. 2010. PubMed ID: 20507940). This variant is reported in 0.0039% of alleles in individuals of European (Non-Finnish) descent in gnomAD. At this time, the clinical significance of this variant is uncertain due to the absence of conclusive functional and genetic evidence.

Illumina Laboratory Services, Illumina
Classification: Uncertain significance for Nephrotic syndrome, type 3. Last evaluated: 2017-04-28. Review status: criteria provided, single submitter. Criteria: ICSL Variant Classification Criteria 13 December 2019. Collection method: clinical testing. Allele origin: germline.
Comment: This variant was observed as part of a predisposition screen in an ostensibly healthy population. A literature search was performed for the gene, cDNA change, and amino acid change (where applicable). Publications were found based on this search. However, the evidence from the literature, in combination with allele frequency data from public databases where available, was not sufficient to rule this variant in or out of causing disease. Therefore, this variant is classified as a variant of unknown significance.

Bioscientia Institut fuer Medizinische Diagnostik GmbH, Sonic Healthcare
Classification: Likely pathogenic for Nephrotic syndrome, type 3. Last evaluated: 2018-11-12. Review status: no assertion criteria provided. Collection method: clinical testing. Allele origin: germline. Affected: yes. Not counted in ClinVar's aggregate classification.

Literature cited by the submitters: PubMed 20507940 (cited by Illumina Laboratory Services, Illumina); PubMed 24902943 (cited by Illumina Laboratory Services, Illumina).